The following is an entry in ClinVar:

ClinVar aggregate classification (germline): Uncertain significance (1 of 4 stars; one submission).

Conditions:
Curry-Hall syndrome (WAD). Also called: WEYERS ACRODENTAL DYSOSTOSIS. Identifiers: Orphanet 952, MedGen C0457013, MONDO:0008673, OMIM 193530.
Ellis-van Creveld syndrome (EVC). Also called: EVC-Related Ellis-van Creveld Syndrome; EVC2-Related Ellis-van Creveld Syndrome; MESOECTODERMAL DYSPLASIA; Chondroectodermal dysplasia. Identifiers: Orphanet 289, MedGen C0013903, MONDO:0009162, OMIM 225500.

Allele frequency attached by ClinVar (database versions not stated): gnomAD exomes below 0.00001; TOPMed below 0.00001.
gnomAD v4.1: 1 of 1,614,184 alleles (0.000062%); highest among the groups gnomAD compares: Non-Finnish European, 0.000085%; no homozygotes.

Submission:

Labcorp Genetics (formerly Invitae), Labcorp
Classification: Uncertain significance for Curry-Hall syndrome; Ellis-van Creveld syndrome. Last evaluated: 2022-10-27. Review status: criteria provided, single submitter. Criteria: Invitae Variant Classification Sherloc (09022015). Collection method: clinical testing. Allele origin: germline.
Comment: This variant is not present in population databases (gnomAD no frequency). In summary, the available evidence is currently insufficient to determine the role of this variant in disease. Therefore, it has been classified as a Variant of Uncertain Significance. Algorithms developed to predict the effect of missense changes on protein structure and function are either unavailable or do not agree on the potential impact of this missense change (SIFT: "Deleterious"; PolyPhen-2: "Possibly Damaging"; Align-GVGD: "Class C0"). This variant has not been reported in the literature in individuals affected with EVC2-related conditions. This sequence change replaces glutamic acid, which is acidic and polar, with glycine, which is neutral and non-polar, at codon 519 of the EVC2 protein (p.Glu519Gly).

NM_147127.5(EVC2):c.1556A>G (p.Glu519Gly)

Gene: EVC2 (EvC ciliary complex subunit 2; minus strand). Cytogenetic location: 4p16.2.
Variant type: single nucleotide variant.
Coding change: c.1556A>G on transcript NM_147127.5 (MANE Select); coding-DNA position 1556, A replaced by G.
Protein change: p.Glu519Gly; replaces glutamic acid 519 with glycine.
Molecular consequence: missense variant.
Genome position (GRCh38, 1-based): chr4:5,631,947, T>C on the plus strand (A>G on the coding strand, the complement: EVC2 is on the minus strand). VCF-style: chr4-5631947-T-C. GRCh37 (hg19) VCF-style: chr4-5633674-T-C.
Other names: c.1316A>G, p.Glu439Gly (NM_001166136.2); short protein forms E519G, E439G.
Identifiers: ClinVar variation 2938276 (VCV002938276.3), dbSNP rs1716569568, ClinGen allele CA356149206.